The following is an entry in ClinVar:

NM_004656.4(BAP1):c.625G>T (p.Val209Phe)

Gene: BAP1 (BRCA1 associated deubiquitinase 1; minus strand). Cytogenetic location: 3p21.1.
Variant type: single nucleotide variant.
Coding change: c.625G>T on transcript NM_004656.4 (MANE Select); coding-DNA position 625, G replaced by T.
Protein change: p.Val209Phe; replaces valine 209 with phenylalanine.
Molecular consequence: missense variant.
Genome position (GRCh38, 1-based): chr3:52,406,863, C>A on the plus strand (G>T on the coding strand, the complement: BAP1 is on the minus strand). VCF-style: chr3-52406863-C-A. GRCh37 (hg19) VCF-style: chr3-52440879-C-A.
Other names: c.625G>T, p.Val209Phe (NM_001410772.1); short protein forms V209F.
Identifiers: ClinVar variation 2801765 (VCV002801765.3), dbSNP rs1295632035, ClinGen allele CA353108946.

ClinVar aggregate classification (germline): Uncertain significance (1 of 4 stars; one submission).

Conditions:
BAP1-related tumor predisposition syndrome (TPDS1). Also called: Tumor susceptibility linked to germline BAP1 mutations; TUMOR PREDISPOSITION SYNDROME 1; BAP1 tumor predisposition syndrome; COMMON Syndrome. Identifiers: Orphanet 289539, MedGen C3280492, MONDO:0013692, OMIM 614327.

Submission:

Labcorp Genetics (formerly Invitae), Labcorp
Classification: Uncertain significance for BAP1-related tumor predisposition syndrome. Last evaluated: 2025-01-16. Review status: criteria provided, single submitter. Criteria: Invitae Variant Classification Sherloc (09022015). Collection method: clinical testing. Allele origin: germline.
Comment: This sequence change replaces valine, which is neutral and non-polar, with phenylalanine, which is neutral and non-polar, at codon 209 of the BAP1 protein (p.Val209Phe). This variant is not present in population databases (gnomAD no frequency). This variant has not been reported in the literature in individuals affected with BAP1-related conditions. ClinVar contains an entry for this variant (Variation ID: 2801765). Invitae Evidence Modeling of protein sequence and biophysical properties (such as structural, functional, and spatial information, amino acid conservation, physicochemical variation, residue mobility, and thermodynamic stability) indicates that this missense variant is expected to disrupt BAP1 protein function with a positive predictive value of 80%. In summary, the available evidence is currently insufficient to determine the role of this variant in disease. Therefore, it has been classified as a Variant of Uncertain Significance.